The following is an entry in ClinVar:

NM_001367624.2(ZNF469):c.8560G>A (p.Asp2854Asn)

Gene: ZNF469 (zinc finger protein 469; plus strand). Cytogenetic location: 16q24.2.
Variant type: single nucleotide variant.
Coding change: c.8560G>A on transcript NM_001367624.2 (MANE Select); coding-DNA position 8560, G replaced by A.
Protein change: p.Asp2854Asn; replaces aspartic acid 2854 with asparagine.
Molecular consequence: missense variant.
Genome position (GRCh38, 1-based): chr16:88,436,030, G>A. VCF-style: chr16-88436030-G-A. GRCh37 (hg19) VCF-style: chr16-88502438-G-A.
Other names: NM_001127464.1:c.8476G>A; short protein forms D2854N.
Identifiers: ClinVar variation 3258302 (VCV003258302.2).
Genomic context (GRCh38, chr16:88,436,030, plus strand): 5'-CCTGAAGGCCCCACTCCTGATGCCTCTGGCTCCAGTGCCAAGGATCCTCCAAGCTTGTTT[G>A]ATGATGAGGTCTCTTTCTCCCAGCTCTTCCCTCCAGGCGGTCGCTTGACTAGAAAGAGGA-3'
Protein context (NP_001354553.1, residues 2844-2864): SSAKDPPSLF[Asp2854Asn]DEVSFSQLFP

ClinVar aggregate classification (germline): Uncertain significance. Review status: criteria provided, multiple submitters, no conflicts (2 of 4 stars). 2 submissions from 2 submitters: Uncertain significance (2). Last evaluated 2024-12-03.

Conditions:
Cardiovascular phenotype. Identifiers: MedGen CN230736.

Submissions (2):

Women's Health and Genetics/Laboratory Corporation of America, LabCorp
Classification: Uncertain significance. Last evaluated: 2024-12-03. Review status: criteria provided, single submitter. Criteria: LabCorp Variant Classification Summary - May 2015. Collection method: clinical testing. Allele origin: germline.
Comment: Variant summary: ZNF469 c.8560G>A (p.Asp2854Asn) results in a conservative amino acid change in the encoded protein sequence. Two of four in-silico tools predict a benign effect of the variant on protein function. The frequency data for this variant in gnomAD is considered unreliable, as metrics indicate poor data quality at this position. To our knowledge, no occurrence of c.8560G>A in individuals affected with Brittle cornea syndrome 1 and no experimental evidence demonstrating its impact on protein function have been reported. ClinVar contains an entry for this variant (Variation ID: 3258302). Based on the evidence outlined above, the variant was classified as uncertain significance.

Ambry Genetics
Classification: Uncertain significance for Cardiovascular phenotype. Last evaluated: 2024-03-18. Review status: criteria provided, single submitter. Criteria: Ambry Variant Classification Scheme 2023. Collection method: clinical testing. Allele origin: germline.